The following is an entry in ClinVar:

ClinVar aggregate classification (germline): Uncertain significance (1 of 4 stars; one submission).

Submission:

Labcorp Genetics (formerly Invitae), Labcorp
Classification: Uncertain significance. Last evaluated: 2024-01-29. Review status: criteria provided, single submitter. Criteria: Invitae Variant Classification Sherloc (09022015). Collection method: clinical testing. Allele origin: unknown.
Comment: A gross deletion of the genomic region encompassing the full coding sequence of the SSR3 gene has been identified. The current clinical and genetic evidence is not sufficient to establish whether loss-of-function variants in SSR3 cause disease. The boundaries of this event are unknown as they extend beyond the assayed region for this gene and therefore may encompass additional genes. This variant has not been reported in the literature in individuals affected with SSR3-related conditions. In summary, the available evidence is currently insufficient to determine the role of this variant in disease. Therefore, it has been classified as a Variant of Uncertain Significance.

NC_000003.11:g.(?_154834637)_(156272878_?)del

Genes: C3orf33 (chromosome 3 open reading frame 33; minus strand), GMPS (guanine monophosphate synthase; plus strand), KCNAB1 (potassium voltage-gated channel subfamily A regulatory beta subunit 1; plus strand), MME (membrane metalloendopeptidase; plus strand), PLCH1 (phospholipase C eta 1; minus strand) and 2 more. Cytogenetic location: 3q25.2-25.31.
Variant type: Deletion.
Identifiers: ClinVar variation 3246972 (VCV003246972.1).